The following is an entry in ClinVar:

NM_018052.5(VAC14):c.1084G>A (p.Gly362Ser)

Gene: VAC14 (VAC14 component of PIKFYVE complex; minus strand). Cytogenetic location: 16q22.1.
Variant type: single nucleotide variant.
Coding change: c.1084G>A on transcript NM_018052.5 (MANE Select); coding-DNA position 1084, G replaced by A.
Protein change: p.Gly362Ser; replaces glycine 362 with serine.
Molecular consequence: missense variant.
Genome position (GRCh38, 1-based): chr16:70,780,802, C>T on the plus strand (G>A on the coding strand, the complement: VAC14 is on the minus strand). VCF-style: chr16-70780802-C-T. GRCh37 (hg19) VCF-style: chr16-70814705-C-T.
Other names: c.382G>A, p.Gly128Ser (NM_001351157.2); short protein forms G128S, G362S.
Identifiers: ClinVar variation 1908268 (VCV001908268.5), dbSNP rs773817666, ClinGen allele CA8147847.

ClinVar aggregate classification (germline): Uncertain significance (1 of 4 stars; one submission).

Allele frequency attached by ClinVar (database versions not stated): gnomAD exomes 0.00001; TOPMed 0.00001; ExAC 0.00003.
gnomAD v4.1: 11 of 1,603,644 alleles (0.00069%); highest among the groups gnomAD compares: Non-Finnish European, 0.00085%; no homozygotes.

Submission:

Labcorp Genetics (formerly Invitae), Labcorp
Classification: Uncertain significance. Last evaluated: 2022-04-03. Review status: criteria provided, single submitter. Criteria: Invitae Variant Classification Sherloc (09022015). Collection method: clinical testing. Allele origin: germline.
Comment: This sequence change replaces glycine, which is neutral and non-polar, with serine, which is neutral and polar, at codon 362 of the VAC14 protein (p.Gly362Ser). In summary, the available evidence is currently insufficient to determine the role of this variant in disease. Therefore, it has been classified as a Variant of Uncertain Significance. Algorithms developed to predict the effect of missense changes on protein structure and function (SIFT, PolyPhen-2, Align-GVGD) all suggest that this variant is likely to be tolerated. This variant has not been reported in the literature in individuals affected with VAC14-related conditions. This variant is present in population databases (rs773817666, gnomAD 0.004%).